The following is an entry in ClinVar:

ClinVar aggregate classification (germline): Conflicting classifications of pathogenicity. Review status: criteria provided, conflicting classifications (1 of 4 stars). 4 submissions from 4 submitters: Uncertain significance (2); Likely benign (2). Last evaluated 2025-06-26.

Allele frequency attached by ClinVar (database versions not stated): ESP Exome Variant Server 0.00008; gnomAD 0.00008 and 0.00009; TOPMed 0.00012; gnomAD exomes 0.00017; ExAC 0.00035.
gnomAD v4.1: 203 of 1,586,150 alleles (0.013%); highest among the groups gnomAD compares: Non-Finnish European, 0.017%; no homozygotes.

Submissions (4):

Ambry Genetics
Classification: Uncertain significance. Last evaluated: 2025-06-26. Review status: criteria provided, single submitter. Criteria: Ambry Variant Classification Scheme 2023. Collection method: clinical testing. Allele origin: germline.

Laboratory of Genetics, Children's Clinical University Hospital Latvia
Classification: Likely benign. Last evaluated: 2025-02-16. Review status: criteria provided, single submitter. Criteria: ACMG Guidelines, 2015. Collection method: clinical testing. Allele origin: germline. Affected: yes.

Blueprint Genetics
Classification: Likely benign. Last evaluated: 2024-11-13. Review status: criteria provided, single submitter. Criteria: ACMG Guidelines, 2015. Collection method: clinical testing. Allele origin: germline.

Labcorp Genetics (formerly Invitae), Labcorp
Classification: Uncertain significance. Last evaluated: 2024-10-08. Review status: criteria provided, single submitter. Criteria: Invitae Variant Classification Sherloc (09022015). Collection method: clinical testing. Allele origin: germline.
Comment: This sequence change replaces leucine, which is neutral and non-polar, with proline, which is neutral and non-polar, at codon 1041 of the RIMS1 protein (p.Leu1041Pro). This variant is present in population databases (rs368839251, gnomAD 0.03%), and has an allele count higher than expected for a pathogenic variant. This variant has not been reported in the literature in individuals affected with RIMS1-related conditions. ClinVar contains an entry for this variant (Variation ID: 1423020). An algorithm developed to predict the effect of missense changes on protein structure and function (PolyPhen-2) suggests that this variant is likely to be tolerated. In summary, the available evidence is currently insufficient to determine the role of this variant in disease. Therefore, it has been classified as a Variant of Uncertain Significance.

NM_014989.7(RIMS1):c.3122T>C (p.Leu1041Pro)

Gene: RIMS1 (regulating synaptic membrane exocytosis 1; plus strand). Cytogenetic location: 6q13.
Variant type: single nucleotide variant.
Coding change: c.3122T>C on transcript NM_014989.7 (MANE Select); coding-DNA position 3122, T replaced by C.
Protein change: p.Leu1041Pro; replaces leucine 1041 with proline.
Molecular consequence: missense variant. On other transcripts: intron variant (58).
Genome position (GRCh38, 1-based): chr6:72,264,980, T>C. VCF-style: chr6-72264980-T-C. GRCh37 (hg19) VCF-style: chr6-72974683-T-C.
Other names: c.3122T>C (NM_014989.4); c.1541T>C, p.Leu514Pro (NM_001350418.2, NM_001350434.2, NM_001350436.2); c.1544T>C, p.Leu515Pro (NM_001350458.2); c.1499T>C, p.Leu500Pro (NM_001350470.2); c.1470-980T>C (NM_001350428.2, NM_001350459.2, NM_001350424.2 and 1 more transcripts); c.1467-980T>C (NM_001350437.2, NM_001350430.2, NM_001350421.2 and 1 more transcripts); c.1539-980T>C (NM_001350433.2, NM_001350446.2, NM_001350442.2 and 8 more transcripts); c.1538+4213T>C (NM_001350431.2); and 14 more; short protein forms L515P, L1041P, L500P, L514P.
Identifiers: ClinVar variation 1423020 (VCV001423020.10), dbSNP rs368839251, ClinGen allele CA3886149.